The following is an entry in ClinVar:

ClinVar aggregate classification (germline): Pathogenic. Review status: criteria provided, multiple submitters, no conflicts (2 of 4 stars). 7 submissions from 7 submitters: Pathogenic (5). 2 of the submissions do not count toward it. Last evaluated 2026-02-11.

Conditions:
CYP7B1-related disorder. Also called: CYP7B1-related condition.
Inborn genetic diseases. Identifiers: MedGen C0950123, MeSH D030342.
Spastic paraplegia. Identifiers: MedGen C0037772, HP:0001258.
Hereditary spastic paraplegia 5A (SPG5A). Also called: SPASTIC PARAPLEGIA 5A, AUTOSOMAL RECESSIVE. Identifiers: Orphanet 100986, MedGen C1849115, MONDO:0010047, OMIM 270800.
Congenital bile acid synthesis defect 3. Identifiers: Orphanet 79302, MedGen C3151147, MONDO:0013439, OMIM 613812.

Submissions (7):

PreventionGenetics, part of Exact Sciences
Classification: Pathogenic for CYP7B1-related condition. Last evaluated: 2026-02-11. Review status: criteria provided, single submitter. Criteria: ACMG Guidelines, 2015. Collection method: clinical testing. Allele origin: germline.
Comment: The CYP7B1 c.321_324delACAA variant is predicted to result in a frameshift and premature protein termination (p.Lys107Asnfs*2). This variant has been reported in the homozygous state or with a second CYP7B1 variant in individuals with hereditary spastic paraplegia (Supplementary Table 1, Schöls et al. 2017. PubMed ID: 29126212; Prestsæter et al. 2020. PubMed ID: 33160247; Carretero-Vilarroig et al. 2026. PubMed ID: 41560358). This variant is reported in 0.016% of alleles in individuals of European (Finnish) descent in gnomAD. Frameshift variants in CYP7B1 are expected to be pathogenic. This variant is interpreted as pathogenic.

Labcorp Genetics (formerly Invitae), Labcorp
Classification: Pathogenic for Spastic paraplegia. Last evaluated: 2024-09-06. Review status: criteria provided, single submitter. Criteria: Invitae Variant Classification Sherloc (09022015). Collection method: clinical testing. Allele origin: germline.
Comment: This sequence change creates a premature translational stop signal (p.Lys107Asnfs*2) in the CYP7B1 gene. It is expected to result in an absent or disrupted protein product. Loss-of-function variants in CYP7B1 are known to be pathogenic (PMID: 9802883, 19363635, 19439420, 21541746, 21567895, 28039895). This variant is present in population databases (rs770285398, gnomAD 0.02%). This variant has not been reported in the literature in individuals affected with CYP7B1-related conditions. ClinVar contains an entry for this variant (Variation ID: 240073). For these reasons, this variant has been classified as Pathogenic.

Fulgent Genetics
Classification: Pathogenic for Hereditary spastic paraplegia 5A; Congenital bile acid synthesis defect 3. Last evaluated: 2024-05-09. Review status: criteria provided, single submitter. Criteria: ACMG Guidelines, 2015. Collection method: clinical testing. Allele origin: germline.

Ambry Genetics
Classification: Pathogenic for Inborn genetic diseases. Last evaluated: 2023-06-27. Review status: criteria provided, single submitter. Criteria: Ambry Variant Classification Scheme 2023. Collection method: clinical testing. Allele origin: germline.
Comment: The c.321_324delACAA (p.K107Nfs*2) alteration, located in exon 3 (coding exon 3) of the CYP7B1 gene, consists of a deletion of 4 nucleotides from position 321 to 324, causing a translational frameshift with a predicted alternate stop codon after 2 amino acids. This alteration is expected to result in loss of function by premature protein truncation or nonsense-mediated mRNA decay. Based on data from gnomAD, this alteration has an overall frequency of 0.003% (8/278266) total alleles studied. The highest observed frequency was 0.016% (4/24912) of European (Finnish) alleles. This variant has been detected in conjunction with the p.Arg417His alteration in an individual diagnosed with clinical features of CYP7B1-related spastic paraplegia; however, the phase of the two variants is not specified (Prests&aelig;ter, 2020). Based on the available evidence, this alteration is classified as pathogenic.

Clinical Genetics Laboratory, Skane University Hospital Lund
Classification: Pathogenic. Last evaluated: 2022-05-27. Review status: criteria provided, single submitter. Criteria: ACMG Guidelines, 2015. Collection method: clinical testing. Allele origin: germline. Affected: yes.

Diagnostic Laboratory, Department of Genetics, University Medical Center Groningen
Classification: Pathogenic. Review status: no assertion criteria provided. Collection method: clinical testing. Allele origin: germline. Affected: yes. Study: VKGL Data-share Consensus. Not counted in ClinVar's aggregate classification.

Joint Genome Diagnostic Labs from Nijmegen and Maastricht, Radboudumc and MUMC+
Classification: Pathogenic. Review status: no assertion criteria provided. Collection method: clinical testing. Allele origin: germline. Affected: yes. Study: VKGL Data-share Consensus. Not counted in ClinVar's aggregate classification.

Literature cited by the submitters: PubMed 9802883 (cited by Labcorp Genetics (formerly Invitae), Labcorp); PubMed 19363635 (cited by Labcorp Genetics (formerly Invitae), Labcorp); PubMed 19439420 (cited by Labcorp Genetics (formerly Invitae), Labcorp); PubMed 21541746 (cited by Labcorp Genetics (formerly Invitae), Labcorp); PubMed 21567895 (cited by Labcorp Genetics (formerly Invitae), Labcorp); PubMed 28039895 (cited by Labcorp Genetics (formerly Invitae), Labcorp); PubMed 33160247 (cited by Ambry Genetics).

NM_004820.5(CYP7B1):c.321_324del (p.Lys107fs)

Gene: CYP7B1 (cytochrome P450 family 7 subfamily B member 1; minus strand). Cytogenetic location: 8q12.3.
Variant type: Deletion.
Coding change: c.321_324del on transcript NM_004820.5 (MANE Select); coding-DNA positions 321 to 324, 4 bases deleted (ACAA; older notation c.321_324delACAA).
Protein change: p.Lys107fs; shifts the reading frame from lysine 107.
Molecular consequence: frameshift variant.
Genome position (GRCh38, 1-based): chr8:64,616,217-64,616,220, TTGT deleted on the plus strand (ACAA on the coding strand, the reverse complement: CYP7B1 is on the minus strand); deleting any 4 consecutive bases within chr8:64,616,217-64,616,222 gives the same sequence; the c. name uses the placement nearest the transcript's 3' end. VCF-style (leftmost placement, unchanged base first): chr8-64616216-ATTGT-A. GRCh37 (hg19) VCF-style: chr8-65528773-ATTGT-A.
Other names: c.321_324del, p.Lys107fs (NM_001324112.2); c.321_324del (NM_004820.4); c.321_324delACAA (NM_004820.4); short protein forms K107fs.
Identifiers: ClinVar variation 240073 (VCV000240073.16), dbSNP rs770285398, ClinGen allele CA4764231.